The following is an entry in ClinVar:

NM_000489.6(ATRX):c.4861A>G (p.Thr1621Ala)

Gene: ATRX (ATRX chromatin remodeler; minus strand). Cytogenetic location: Xq21.1.
Variant type: single nucleotide variant.
Coding change: c.4861A>G on transcript NM_000489.6 (MANE Select); coding-DNA position 4861, A replaced by G.
Protein change: p.Thr1621Ala; replaces threonine 1621 with alanine.
Molecular consequence: missense variant.
Genome position (GRCh38, 1-based): chrX:77,633,661, T>C on the plus strand (A>G on the coding strand, the complement: ATRX is on the minus strand). VCF-style: chrX-77633661-T-C. GRCh37 (hg19) VCF-style: chrX-76889149-T-C.
Other names: c.4747A>G, p.Thr1583Ala (NM_138270.5); short protein forms T1583A, T1621A.
Identifiers: ClinVar variation 3391033 (VCV003391033.3).
Genomic context (GRCh38, chrX:77,633,661, plus strand): 5'-ACTTCTCAAATTCATTCATCCAATTCAAAGCAGTATTAAGAGGACAAACCACTAACGCCG[T>C]GCTGAAATCCAGTTTGTCACACAAAAGAACTGTATGAAGAAAACTTACCACCTATAAGAA-3'
Protein context (NP_000480.3, residues 1611-1631): VLLCDKLDFS[Thr1621Ala]ALVVCPLNTA

ClinVar aggregate classification (germline): Conflicting classifications of pathogenicity. Review status: criteria provided, conflicting classifications (1 of 4 stars). 2 submissions from 2 submitters: Likely pathogenic (1); Uncertain significance (1). Last evaluated 2024-12-18.

Conditions:
Alpha thalassemia-X-linked intellectual disability syndrome (ATRX). Also called: ALPHA-THALASSEMIA/MENTAL RETARDATION SYNDROME, X-LINKED; ATR, NONDELETION TYPE; ATR-X syndrome; Alpha thalassemia mental retardation syndrome, nondeletion type, X-linked; XLMR hypotonic face syndrome; X-linked alpha-thalassemia-mental retardation syndrome. Identifiers: Orphanet 847, MedGen C1845055, MONDO:0010519, OMIM 301040.

Submissions (2):

Genomic Medicine Center of Excellence, King Faisal Specialist Hospital and Research Centre
Classification: Likely pathogenic for Alpha thalassemia-X-linked intellectual disability syndrome. Last evaluated: 2024-12-18. Review status: criteria provided, single submitter. Criteria: ACMG Guidelines, 2015. Collection method: clinical testing. Allele origin: germline.

Labcorp Genetics (formerly Invitae), Labcorp
Classification: Uncertain significance for Alpha thalassemia-X-linked intellectual disability syndrome. Last evaluated: 2024-08-31. Review status: criteria provided, single submitter. Criteria: Invitae Variant Classification Sherloc (09022015). Collection method: clinical testing. Allele origin: germline.
Comment: This sequence change replaces threonine, which is neutral and polar, with alanine, which is neutral and non-polar, at codon 1621 of the ATRX protein (p.Thr1621Ala). This variant is not present in population databases (gnomAD no frequency). This missense change has been observed in individual(s) with clinical features of ATRX-related conditions (PMID: 29159939). Invitae Evidence Modeling of protein sequence and biophysical properties (such as structural, functional, and spatial information, amino acid conservation, physicochemical variation, residue mobility, and thermodynamic stability) has been performed for this missense variant. However, the output from this modeling did not meet the statistical confidence thresholds required to predict the impact of this variant on ATRX protein function. In summary, the available evidence is currently insufficient to determine the role of this variant in disease. Therefore, it has been classified as a Variant of Uncertain Significance.

Literature cited by the submitters: PubMed 29159939 (cited by Labcorp Genetics (formerly Invitae), Labcorp).